The following is an entry in ClinVar:

NM_005027.4(PIK3R2):c.1980-5C>T

Gene: PIK3R2 (phosphoinositide-3-kinase regulatory subunit 2; plus strand). Cytogenetic location: 19p13.11.
Variant type: single nucleotide variant.
Coding change: c.1980-5C>T on transcript NM_005027.4 (MANE Select); 5 bases into the intron before coding-DNA position 1980, C replaced by T.
Molecular consequence: intron variant.
Genome position (GRCh38, 1-based): chr19:18,169,082, C>T. VCF-style: chr19-18169082-C-T. GRCh37 (hg19) VCF-style: chr19-18279892-C-T.
Other names: c.1980-5C>T (NM_005027.3).
Identifiers: ClinVar variation 1091717 (VCV001091717.12), dbSNP rs771103459, ClinGen allele CA9307231.

ClinVar aggregate classification (germline): Likely benign. Review status: criteria provided, multiple submitters, no conflicts (2 of 4 stars). 3 submissions from 3 submitters: Likely benign (2). 1 of the submissions does not count toward it. Last evaluated 2026-02-03.

Conditions:
PIK3R2-related disorder. Also called: PIK3R2-related condition.
Megalencephaly-polymicrogyria-postaxial polydactyly-hydrocephalus syndrome. Also called: MPPH Syndrome; MEG-PMG-MEGACC SYNDROME. Identifiers: Orphanet 83473, MedGen C1863924, MONDO:0019375.

Allele frequency attached by ClinVar (database versions not stated): gnomAD 0.00004; gnomAD exomes 0.00005; TOPMed 0.00006; ExAC 0.00003.

Submissions (3):

Women's Health and Genetics/Laboratory Corporation of America, LabCorp
Classification: Likely benign. Last evaluated: 2026-02-03. Review status: criteria provided, single submitter. Criteria: LabCorp Variant Classification Summary - May 2015. Collection method: clinical testing. Allele origin: germline.

Labcorp Genetics (formerly Invitae), Labcorp
Classification: Likely benign for Megalencephaly-polymicrogyria-postaxial polydactyly-hydrocephalus syndrome. Last evaluated: 2024-12-21. Review status: criteria provided, single submitter. Criteria: Invitae Variant Classification Sherloc (09022015). Collection method: clinical testing. Allele origin: germline.

PreventionGenetics, part of Exact Sciences
Classification: Likely benign for PIK3R2-related condition. Last evaluated: 2019-08-01. Review status: no assertion criteria provided. Collection method: clinical testing. Allele origin: germline. Not counted in ClinVar's aggregate classification.
Comment: This variant is classified as likely benign based on ACMG/AMP sequence variant interpretation guidelines (Richards et al. 2015 PMID: 25741868, with internal and published modifications).